The following is an entry in ClinVar:

NM_001040142.2(SCN2A):c.3428G>T (p.Gly1143Val)

Gene: SCN2A (sodium voltage-gated channel alpha subunit 2; plus strand). Cytogenetic location: 2q24.3.
Variant type: single nucleotide variant.
Coding change: c.3428G>T on transcript NM_001040142.2 (MANE Select); coding-DNA position 3428, G replaced by T.
Protein change: p.Gly1143Val; replaces glycine 1143 with valine.
Molecular consequence: missense variant.
Genome position (GRCh38, 1-based): chr2:165,365,171, G>T. VCF-style: chr2-165365171-G-T. GRCh37 (hg19) VCF-style: chr2-166221681-G-T.
Other names: c.3428G>T, p.Gly1143Val (NM_001040143.2, NM_001371246.1, NM_001371247.1 and 1 more transcripts); short protein forms G1143V.
Identifiers: ClinVar variation 1213072 (VCV001213072.6), dbSNP rs1287436433, ClinGen allele CA349024500.

ClinVar aggregate classification (germline): Uncertain significance. Review status: criteria provided, multiple submitters, no conflicts (2 of 4 stars). 2 submissions from 2 submitters: Uncertain significance (2). Last evaluated 2024-01-24.

Conditions:
Developmental and epileptic encephalopathy, 11 (DEE11). Also called: Early infantile epileptic encephalopathy 11. Identifiers: Orphanet 1934, MedGen C3150987, MONDO:0013388, OMIM 613721.
Seizures, benign familial infantile, 3 (BFIS3). Also called: CONVULSIONS, BENIGN FAMILIAL INFANTILE, 3; Familial neonatal seizures. Identifiers: Orphanet 140927, Orphanet 306, MedGen C1843140, MONDO:0011904, OMIM 607745.

Allele frequency attached by ClinVar (database versions not stated): gnomAD exomes below 0.00001.

Submissions (2):

Labcorp Genetics (formerly Invitae), Labcorp
Classification: Uncertain significance for Seizures, benign familial infantile, 3; Developmental and epileptic encephalopathy, 11. Last evaluated: 2024-01-24. Review status: criteria provided, single submitter. Criteria: Invitae Variant Classification Sherloc (09022015). Collection method: clinical testing. Allele origin: germline.
Comment: This sequence change replaces glycine, which is neutral and non-polar, with valine, which is neutral and non-polar, at codon 1143 of the SCN2A protein (p.Gly1143Val). This variant is present in population databases (no rsID available, gnomAD 0.0009%). This variant has not been reported in the literature in individuals affected with SCN2A-related conditions. ClinVar contains an entry for this variant (Variation ID: 1213072). Advanced modeling of protein sequence and biophysical properties (such as structural, functional, and spatial information, amino acid conservation, physicochemical variation, residue mobility, and thermodynamic stability) has been performed at Invitae for this missense variant, however the output from this modeling did not meet the statistical confidence thresholds required to predict the impact of this variant on SCN2A protein function. In summary, the available evidence is currently insufficient to determine the role of this variant in disease. Therefore, it has been classified as a Variant of Uncertain Significance.

GeneDx
Classification: Uncertain significance. Last evaluated: 2019-10-10. Review status: criteria provided, single submitter. Criteria: GeneDx Variant Classification Process June 2021. Collection method: clinical testing. Allele origin: germline. Affected: yes.
Comment: Has not been previously published as pathogenic or benign to our knowledge; In silico analysis, which includes protein predictors and evolutionary conservation, supports a deleterious effect; Not observed at a significant frequency in large population cohorts (Lek et al., 2016); This substitution is predicted to be in the cytoplasmic loop between the second and third homologous domains; The majority of missense variants in this gene are considered pathogenic (Stenson et al., 2014)